The following is an entry in ClinVar:

NM_004064.5(CDKN1B):c.503A>G (p.Asn168Ser)

Gene: CDKN1B (cyclin dependent kinase inhibitor 1B; plus strand). Cytogenetic location: 12p13.1.
Variant type: single nucleotide variant.
Coding change: c.503A>G on transcript NM_004064.5 (MANE Select); coding-DNA position 503, A replaced by G.
Protein change: p.Asn168Ser; replaces asparagine 168 with serine.
Molecular consequence: missense variant.
Genome position (GRCh38, 1-based): chr12:12,718,852, A>G. VCF-style: chr12-12718852-A-G. GRCh37 (hg19) VCF-style: chr12-12871786-A-G.
Other names: c.503A>G (NM_004064.3); short protein forms N168S.
Identifiers: ClinVar variation 1442589 (VCV001442589.7), dbSNP rs761736796, ClinGen allele CA383972742.

ClinVar aggregate classification (germline): Conflicting classifications of pathogenicity. Review status: criteria provided, conflicting classifications (1 of 4 stars). 2 submissions from 2 submitters: Uncertain significance (1); Likely benign (1). Last evaluated 2025-08-14.

Conditions:
Hereditary cancer-predisposing syndrome. Also called: Tumor predisposition; Hereditary neoplastic syndrome; Hereditary Cancer Syndrome; Neoplastic Syndromes, Hereditary. Identifiers: Orphanet 140162, MedGen C0027672, MeSH D009386, MONDO:0015356.
Multiple endocrine neoplasia type 4. Also called: MULTIPLE ENDOCRINE NEOPLASIA, TYPE IV. Identifiers: Orphanet 276152, MedGen C1970712, MONDO:0012552, OMIM 610755.

Submissions (2):

Ambry Genetics
Classification: Likely benign for Hereditary cancer-predisposing syndrome. Last evaluated: 2025-08-14. Review status: criteria provided, single submitter. Criteria: Ambry Variant Classification Scheme 2023. Collection method: clinical testing. Allele origin: germline.

Labcorp Genetics (formerly Invitae), Labcorp
Classification: Uncertain significance for Multiple endocrine neoplasia type 4. Last evaluated: 2025-07-23. Review status: criteria provided, single submitter. Criteria: Invitae Variant Classification Sherloc (09022015). Collection method: clinical testing. Allele origin: germline.
Comment: This sequence change replaces asparagine, which is neutral and polar, with serine, which is neutral and polar, at codon 168 of the CDKN1B protein (p.Asn168Ser). This variant is not present in population databases (gnomAD no frequency). This variant has not been reported in the literature in individuals affected with CDKN1B-related conditions. ClinVar contains an entry for this variant (Variation ID: 1442589). An algorithm developed to predict the effect of missense changes on protein structure and function (PolyPhen-2) suggests that this variant is likely to be tolerated. In summary, the available evidence is currently insufficient to determine the role of this variant in disease. Therefore, it has been classified as a Variant of Uncertain Significance.